The following is an entry in ClinVar:

NM_015898.4(ZBTB7A):c.624_632del (p.206VAA[1])

Gene: ZBTB7A (zinc finger and BTB domain containing 7A; minus strand). Cytogenetic location: 19p13.3.
Variant type: Deletion.
Coding change: c.624_632del on transcript NM_015898.4 (MANE Select); coding-DNA positions 624 to 632, 9 bases deleted (CGTGGCCGC; older notation c.624_632delCGTGGCCGC).
Protein change: p.206VAA[1].
Molecular consequence: inframe deletion.
Genome position (GRCh38, 1-based): chr19:4,054,601-4,054,609, GCGGCCACG deleted on the plus strand (CGTGGCCGC on the coding strand, the reverse complement: ZBTB7A is on the minus strand); deleting any 9 consecutive bases within chr19:4,054,601-4,054,617 gives the same sequence; the c. name uses the placement nearest the transcript's 3' end. VCF-style (leftmost placement, unchanged base first): chr19-4054600-CGCGGCCACG-C. GRCh37 (hg19) VCF-style: chr19-4054598-CGCGGCCACG-C.
Other names: c.624_632del, p.206VAA[1] (NM_001317990.2); c.624_632delCGTGGCCGC (NM_015898.4).
Identifiers: ClinVar variation 4853695 (VCV004853695.1).
Genomic context (GRCh38, chr19:4,054,600, plus strand): 5'-CGTCGGGGGCCGCTCGGCCGGGGGGCCCGGCCCATAGAAGTCTAAGCCGTTGCAGTCGCC[CGCGGCCACG>C]GCGGCCACAGCGGCGGCCACGGCCTCCTTGGTGGCATCCAGGTCATCATCGGACGCCCCA-3'

ClinVar aggregate classification (germline): Likely benign (1 of 4 stars; one submission).

Submission:

Women's Health and Genetics/Laboratory Corporation of America, LabCorp
Classification: Likely benign. Last evaluated: 2026-05-22. Review status: criteria provided, single submitter. Criteria: LabCorp Variant Classification Summary - May 2015. Collection method: clinical testing. Allele origin: germline.
Comment: Variant summary: ZBTB7A c.624_632delCGTGGCCGC (p.Val209_Ala211del) results in an in-frame deletion that is predicted to remove three amino acids from the encoded protein. The variant allele was found at a frequency of 3.1e-05 in 194168 control chromosomes (gnomAD v2). The available data on variant occurrences in the general population are insufficient to allow any conclusion about variant significance. A total of 7 heterozygotes of this variant was observed in the gnomAD v4 database. To our knowledge, no occurrence of c.624_632delCGTGGCCGC in individuals affected with ZBTB7A-related conditions and no experimental evidence demonstrating its impact on protein function have been reported. Co-occurrences with other pathogenic variant(s) have been reported (CUL3 c.659_662dup, p.Ser221Argfs*10), providing supporting evidence for a benign role. No submitters have cited clinical-significance assessments for this variant to ClinVar. Based on the evidence outlined above, the variant was classified as likely benign.